The following is an entry in ClinVar:

NM_020987.5(ANK3):c.3045G>T (p.Thr1015=)

Gene: ANK3 (ankyrin 3; minus strand). Cytogenetic location: 10q21.2.
Variant type: single nucleotide variant.
Coding change: c.3045G>T on transcript NM_020987.5 (MANE Select); coding-DNA position 3045, G replaced by T.
Protein change: p.Thr1015=; no amino-acid change (threonine 1015 retained).
Molecular consequence: synonymous variant.
Genome position (GRCh38, 1-based): chr10:60,108,958, C>A on the plus strand (G>T on the coding strand, the complement: ANK3 is on the minus strand). VCF-style: chr10-60108958-C-A. GRCh37 (hg19) VCF-style: chr10-61868716-C-A.
Other names: c.447G>T, p.Thr149= (NM_001149.4); c.3027G>T, p.Thr1009= (NM_001204403.2); c.3048G>T, p.Thr1016= (NM_001204404.2); c.3045G>T, p.Thr1015= (NM_001320874.2).
Identifiers: ClinVar variation 128368 (VCV000128368.21), dbSNP rs3750800, ClinGen allele CA151784.

ClinVar aggregate classification (germline): Benign. Review status: criteria provided, multiple submitters, no conflicts (2 of 4 stars). 5 submissions from 5 submitters: Benign (4). 1 of the submissions does not count toward it. Last evaluated 2026-02-03.

Conditions:
Intellectual developmental disorder, autosomal recessive 37. Also called: Intellectual disability-hypotonia-spasticity-sleep disorder syndrome. Identifiers: Orphanet 356996, MedGen C3809672, MONDO:0014210, OMIM 615493.

Allele frequency attached by ClinVar (database versions not stated): 1000 Genomes Project 0.17911; 1000 Genomes Project 30x 0.17989; TOPMed 0.21370; ESP Exome Variant Server 0.23958.
gnomAD v4.1: 492,812 of 1,613,664 alleles (31%); highest among the groups gnomAD compares: Non-Finnish European, 34%; 80,669 homozygotes.

Submissions (5):

Labcorp Genetics (formerly Invitae), Labcorp
Classification: Benign. Last evaluated: 2026-02-03. Review status: criteria provided, single submitter. Criteria: Invitae Variant Classification Sherloc (09022015). Collection method: clinical testing. Allele origin: germline.

Genome-Nilou Lab
Classification: Benign for Intellectual developmental disorder, autosomal recessive 37. Last evaluated: 2021-07-14. Review status: criteria provided, single submitter. Criteria: ACMG Guidelines, 2015. Collection method: clinical testing. Allele origin: germline. Affected: no.

GeneDx
Classification: Benign. Last evaluated: 2019-04-26. Review status: criteria provided, single submitter. Criteria: GeneDx Variant Classification Process June 2021. Collection method: clinical testing. Allele origin: germline. Affected: yes.

Breakthrough Genomics
Classification: Benign. Review status: criteria provided, single submitter. Criteria: ACMG Guidelines, 2015. Collection method: not provided. Allele origin: germline. Inheritance: Autosomal recessive inheritance. Affected: yes.

Genetic Services Laboratory, University of Chicago
Classification: Likely benign for AllHighlyPenetrant. Review status: no assertion criteria provided. Collection method: clinical testing. Allele origin: germline. Inheritance: Autosomal recessive inheritance. Not counted in ClinVar's aggregate classification.
Comment: Likely benign based on allele frequency in 1000 Genomes Project or ESP global frequency and its presence in a patient with a rare or unrelated disease phenotype. NOT Sanger confirmed.